The following is an entry in ClinVar:

ClinVar aggregate classification (germline): Pathogenic/Likely pathogenic. Review status: criteria provided, multiple submitters, no conflicts (2 of 4 stars). 4 submissions from 4 submitters: Pathogenic (1); Likely pathogenic (1). 2 of the submissions do not count toward it. Last evaluated 2024-05-31.

Conditions:
BBS12-related disorder. Also called: BBS12-related condition.
Bardet-Biedl syndrome (BBS). Identifiers: Orphanet 110, MedGen C0752166, MONDO:0015229.
Bardet-Biedl syndrome 12 (BBS12). Identifiers: Orphanet 110, MedGen C1859570, MONDO:0014440, OMIM 615989.

Allele frequency attached by ClinVar (database versions not stated): gnomAD exomes below 0.00001; ExAC 0.00001; gnomAD 0.00001; TOPMed 0.00001.

Submissions (4):

Labcorp Genetics (formerly Invitae), Labcorp
Classification: Pathogenic for Bardet-Biedl syndrome. Last evaluated: 2024-05-31. Review status: criteria provided, single submitter. Criteria: Invitae Variant Classification Sherloc (09022015). Collection method: clinical testing. Allele origin: germline.
Comment: This sequence change creates a premature translational stop signal (p.Gln228Leufs*8) in the BBS12 gene. While this is not anticipated to result in nonsense mediated decay, it is expected to disrupt the last 483 amino acid(s) of the BBS12 protein. This variant is present in population databases (rs770872200, gnomAD 0.002%). This variant has not been reported in the literature in individuals affected with BBS12-related conditions. ClinVar contains an entry for this variant (Variation ID: 557758). This variant disrupts a region of the BBS12 protein in which other variant(s) (p.Arg355*, p.Arg675*) have been determined to be pathogenic (PMID: 17160889, 20827784, 21642631). This suggests that this is a clinically significant region of the protein, and that variants that disrupt it are likely to be disease-causing. For these reasons, this variant has been classified as Pathogenic.

Fulgent Genetics
Classification: Likely pathogenic for Bardet-Biedl syndrome 12. Last evaluated: 2024-03-26. Review status: criteria provided, single submitter. Criteria: ACMG Guidelines, 2015. Collection method: clinical testing. Allele origin: germline.

PreventionGenetics, part of Exact Sciences
Classification: Pathogenic for BBS12-related condition. Last evaluated: 2024-06-25. Review status: no assertion criteria provided. Collection method: clinical testing. Allele origin: germline. Not counted in ClinVar's aggregate classification.
Comment: The BBS12 c.682_683insT variant is predicted to result in a frameshift and premature protein termination (p.Gln228Leufs*8). To our knowledge, this variant has not been reported in the literature in association with a BBS12-related phenotype. This variant is reported in 0.0023% of alleles in individuals of European (Non-Finnish) descent in gnomAD. Frameshift variants in BBS12 are expected to be pathogenic. This variant is interpreted as pathogenic.

Counsyl
Classification: Likely pathogenic for Bardet-Biedl syndrome 12. Last evaluated: 2018-04-12. Review status: no assertion criteria provided. Collection method: clinical testing. Allele origin: unknown. Not counted in ClinVar's aggregate classification.

Literature cited by the submitters: PubMed 17160889 (cited by Labcorp Genetics (formerly Invitae), Labcorp); PubMed 20827784 (cited by Labcorp Genetics (formerly Invitae), Labcorp); PubMed 21642631 (cited by Labcorp Genetics (formerly Invitae), Labcorp).

NM_152618.3(BBS12):c.682_683insT (p.Gln228fs)

Gene: BBS12 (Bardet-Biedl syndrome 12; plus strand). Cytogenetic location: 4q27.
Variant type: Insertion.
Coding change: c.682_683insT on transcript NM_152618.3 (MANE Select); coding-DNA positions 682 to 683, T inserted.
Protein change: p.Gln228fs; shifts the reading frame from glutamine 228.
Molecular consequence: frameshift variant.
Genome position: GRCh38 VCF-style: chr4-122742574-C-CT. GRCh37 (hg19) VCF-style: chr4-123663729-C-CT.
Other names: c.682_683insT, p.Gln228fs (NM_001178007.2); short protein forms Q228fs.
Identifiers: ClinVar variation 557758 (VCV000557758.10), dbSNP rs770872200, ClinGen allele CA3069311.
Genomic context (GRCh38, chr4:122,742,574, plus strand): 5'-GCAGATAACAACACATCACGAACTCTGAAAAACAGCCTGCTTGCAGATACCTGCTGCAGA[C>CT]AGTCAATACTAATCCACAGTAGGCATTTTAATAGGACAGATAATACTGAAGGGGTAAGCA-3'